The following is an entry in ClinVar:

ClinVar aggregate classification (germline): Uncertain significance (1 of 4 stars; one submission).

Conditions:
Amelocerebrohypohidrotic syndrome (KTZS). Also called: EPILEPSY AND YELLOW TEETH; EPILEPSY, DEMENTIA, AND AMELOGENESIS IMPERFECTA; KOHLSCHUTTER SYNDROME; Kohlschutter's syndrome. Identifiers: Orphanet 1946, MedGen C0406740, MONDO:0009185, OMIM 226750.

Submission:

Labcorp Genetics (formerly Invitae), Labcorp
Classification: Uncertain significance for Kohlschutter syndrome. Last evaluated: 2019-11-15. Review status: criteria provided, single submitter. Criteria: Invitae Variant Classification Sherloc (09022015). Collection method: clinical testing. Allele origin: germline.
Comment: This variant results in a copy number gain of the genomic region encompassing the full coding sequence of the ROGDI gene. The boundaries of this event are unknown as they extend beyond the assayed region for this gene and therefore may encompass additional genes. As the precise location of this event is unknown, it may be in tandem or it may be located elsewhere in the genome. This variant has not been reported in the literature in individuals with ROGDI-related conditions. In summary, the available evidence is currently insufficient to determine the role of this variant in disease. Therefore, it has been classified as a Variant of Uncertain Significance.

NC_000016.9:g.(?_4847441)_(4852592_?)dup

Gene: ROGDI (rogdi atypical leucine zipper; minus strand). Cytogenetic location: 16p13.3.
Variant type: Duplication.
Identifiers: ClinVar variation 656288 (VCV000656288.2).